The following is an entry in ClinVar:

ClinVar aggregate classification (germline): Conflicting classifications of pathogenicity. Review status: criteria provided, conflicting classifications (1 of 4 stars). 6 submissions from 6 submitters: Uncertain significance (2); Likely benign (4). Last evaluated 2025-05-23.

Conditions:
PRKAG2-related disorder. Also called: PRKAG2-related disorders; PRKAG2-related condition.
Lethal congenital glycogen storage disease of heart. Also called: GLYCOGEN STORAGE DISEASE OF HEART; PHOSPHORYLASE KINASE DEFICIENCY OF HEART. Identifiers: Orphanet 439854, MedGen C1849813, MONDO:0009867, OMIM 261740.
Cardiovascular phenotype. Identifiers: MedGen CN230736.
Cardiomyopathy (CMYO). Also called: Cardiomyopathies. Identifiers: Orphanet 167848, MedGen C0878544, MONDO:0004994, HP:0001638. Inheritance: Various modes of inheritance.

Allele frequency attached by ClinVar (database versions not stated): gnomAD 0.00001; TOPMed 0.00003; gnomAD exomes 0.00005 and 0.00012; ExAC 0.00011.
gnomAD v4.1: 31 of 1,614,120 alleles (0.0019%); highest among the groups gnomAD compares: Admixed American, 0.05%; 1 homozygote.

Submissions (6):

Labcorp Genetics (formerly Invitae), Labcorp
Classification: Likely benign for Lethal congenital glycogen storage disease of heart. Last evaluated: 2025-05-23. Review status: criteria provided, single submitter. Criteria: Invitae Variant Classification Sherloc (09022015). Collection method: clinical testing. Allele origin: germline.

PreventionGenetics, part of Exact Sciences
Classification: Likely benign for PRKAG2-related condition. Last evaluated: 2025-04-09. Review status: criteria provided, single submitter. Criteria: ACMG Guidelines, 2015. Collection method: clinical testing. Allele origin: germline.
Comment: This variant is classified as likely benign based on ACMG/AMP sequence variant interpretation guidelines (Richards et al. 2015 PMID: 25741868, with internal and published modifications).

Ambry Genetics
Classification: Uncertain significance for Cardiovascular phenotype. Last evaluated: 2025-03-25. Review status: criteria provided, single submitter. Criteria: Ambry Variant Classification Scheme 2023. Collection method: clinical testing. Allele origin: germline.
Comment: The p.Q499R variant (also known as c.1496A>G), located in coding exon 14 of the PRKAG2 gene, results from an A to G substitution at nucleotide position 1496. The glutamine at codon 499 is replaced by arginine, an amino acid with highly similar properties. This amino acid position is conserved. In addition, the in silico prediction for this alteration is inconclusive. Since supporting evidence is limited at this time, the clinical significance of this alteration remains unclear.

Mayo Clinic Laboratories, Mayo Clinic
Classification: Uncertain significance. Last evaluated: 2022-07-05. Review status: criteria provided, single submitter. Criteria: ACMG Guidelines, 2015. Collection method: clinical testing. Allele origin: germline. Observed: 1 variant allele.

Color Diagnostics, LLC DBA Color Health
Classification: Likely benign for Cardiomyopathy. Last evaluated: 2020-06-15. Review status: criteria provided, single submitter. Criteria: ACMG Guidelines, 2015. Collection method: clinical testing. Allele origin: germline.

Breakthrough Genomics
Classification: Likely benign. Review status: criteria provided, single submitter. Criteria: ACMG Guidelines, 2015. Collection method: not provided. Allele origin: germline. Inheritance: Autosomal dominant inheritance. Affected: yes.

NM_016203.4(PRKAG2):c.1496A>G (p.Gln499Arg)

Gene: PRKAG2 (protein kinase AMP-activated non-catalytic subunit gamma 2; minus strand). Cytogenetic location: 7q36.1.
Variant type: single nucleotide variant.
Coding change: c.1496A>G on transcript NM_016203.4 (MANE Select); coding-DNA position 1496, A replaced by G.
Protein change: p.Gln499Arg; replaces glutamine 499 with arginine.
Molecular consequence: missense variant.
Genome position (GRCh38, 1-based): chr7:151,564,166, T>C on the plus strand (A>G on the coding strand, the complement: PRKAG2 is on the minus strand). VCF-style: chr7-151564166-T-C. GRCh37 (hg19) VCF-style: chr7-151261252-T-C.
Other names: p.Gln499Arg; c.1364A>G, p.Gln455Arg (NM_001040633.2); c.1121A>G, p.Gln374Arg (NM_001304527.2); c.773A>G, p.Gln258Arg (NM_001304531.2, NM_024429.2); c.1124A>G, p.Gln375Arg (NM_001363698.2); short protein forms Q374R, Q375R, Q499R, Q455R, Q258R.
Identifiers: ClinVar variation 698867 (VCV000698867.18), dbSNP rs781741013, ClinGen allele CA055257.